The following is an entry in ClinVar:

ClinVar aggregate classification (germline): Likely benign. Review status: criteria provided, multiple submitters, no conflicts (2 of 4 stars). 4 submissions from 4 submitters: Likely benign (4). Last evaluated 2026-04-27.

Conditions:
Dilated cardiomyopathy 1G (CMD1G). Identifiers: Orphanet 154, MedGen C1858763, MONDO:0011400, OMIM 604145.
Autosomal recessive limb-girdle muscular dystrophy type 2J (LGMDR10). Also called: Limb-girdle muscular dystrophy, type 2J; MUSCULAR DYSTROPHY, LIMB-GIRDLE, AUTOSOMAL RECESSIVE 10. Identifiers: Orphanet 140922, MedGen C1837342, MONDO:0012127, OMIM 608807.
Cardiovascular phenotype. Identifiers: MedGen CN230736.

Allele frequency attached by ClinVar (database versions not stated): TOPMed 0.00001; gnomAD 0.00001.

Submissions (4):

Ambry Genetics
Classification: Likely benign for Cardiovascular phenotype. Last evaluated: 2026-04-27. Review status: criteria provided, single submitter. Criteria: Ambry Variant Classification Scheme 2023. Collection method: clinical testing. Allele origin: germline.

Labcorp Genetics (formerly Invitae), Labcorp
Classification: Likely benign for Dilated cardiomyopathy 1G; Autosomal recessive limb-girdle muscular dystrophy type 2J. Last evaluated: 2025-09-16. Review status: criteria provided, single submitter. Criteria: Invitae Variant Classification Sherloc (09022015). Collection method: clinical testing. Allele origin: germline.

GeneDx
Classification: Likely benign. Last evaluated: 2017-12-18. Review status: criteria provided, single submitter. Criteria: GeneDx Variant Classification (06012015). Collection method: clinical testing. Allele origin: germline. Affected: yes.
Comment: This variant is considered likely benign or benign based on one or more of the following criteria: it is a conservative change, it occurs at a poorly conserved position in the protein, it is predicted to be benign by multiple in silico algorithms, and/or has population frequency not consistent with disease.

Laboratory for Molecular Medicine, Mass General Brigham Personalized Medicine
Classification: Likely benign. Last evaluated: 2012-07-10. Review status: criteria provided, single submitter. Criteria: LMM Criteria. Collection method: clinical testing. Allele origin: germline. Observed: 1 variant allele.
Comment: Thr20336Thr in exon 272 of TTN: This variant is not expected to have clinical si gnificance because it does not alter an amino acid residue and is not located wi thin the splice consensus sequence. Thr20336Thr in exon 272 of TTN (allele fre quency = n/a)

NM_001267550.2(TTN):c.68712T>C (p.Thr22904=)

Genes: TTN (titin; minus strand), TTN-AS1 (TTN antisense RNA 1; plus strand). Cytogenetic location: 2q31.2.
Variant type: single nucleotide variant.
Coding change: c.68712T>C on transcript NM_001267550.2 (MANE Select); coding-DNA position 68712, T replaced by C.
Protein change: p.Thr22904=; no amino-acid change (threonine 22904 retained).
Molecular consequence: synonymous variant.
Genome position (GRCh38, 1-based): chr2:178,577,714, A>G on the plus strand (T>C on the coding strand, the complement: TTN is on the minus strand). VCF-style: chr2-178577714-A-G. GRCh37 (hg19) VCF-style: chr2-179442441-A-G.
Other names: c.63789T>C, p.Thr21263= (NM_001256850.1); c.61008T>C, p.Thr20336= (NM_133378.4); c.41517T>C, p.Thr13839= (NM_003319.4); c.41892T>C, p.Thr13964= (NM_133432.3); c.42093T>C, p.Thr14031= (NM_133437.4).
Identifiers: ClinVar variation 47270 (VCV000047270.17), dbSNP rs397517678, ClinGen allele CA140529.
Genomic context (GRCh38, chr2:178,577,714, plus strand): 5'-AGCACCTGCTGTATTCTTTGCTCTAATTCTGAATTCATATTTTCCACCCTCAACAAGGTC[A>G]GTTACAGTAAAGGCACATTCTGGGACATTAACATGGTTGGCTTTCATCCAAGACTTCGAA-3'
Protein context (NP_001254479.2, residues 22894-22914): VNVPECAFTV[Thr22904=]DLVEGGKYEF